The following is an entry in ClinVar:

NM_001365088.1(SLC12A6):c.686G>T (p.Cys229Phe)

Genes: SLC12A6 (solute carrier family 12 member 6; minus strand), LOC129390683 (MPRA-validated peak2292 silencer; plus strand). Cytogenetic location: 15q14.
Variant type: single nucleotide variant.
Coding change: c.686G>T on transcript NM_001365088.1 (MANE Select); coding-DNA position 686, G replaced by T.
Protein change: p.Cys229Phe; replaces cysteine 229 with phenylalanine.
Molecular consequence: missense variant.
Genome position (GRCh38, 1-based): chr15:34,257,646, C>A on the plus strand (G>T on the coding strand, the complement: SLC12A6 is on the minus strand). VCF-style: chr15-34257646-C-A. GRCh37 (hg19) VCF-style: chr15-34549847-C-A.
Other names: c.509G>T, p.Cys170Phe (NM_001042494.2, NM_001042495.2); c.659G>T, p.Cys220Phe (NM_001042496.2); c.641G>T, p.Cys214Phe (NM_001042497.2); c.533G>T, p.Cys178Phe (NM_005135.2); c.686G>T, p.Cys229Phe (NM_133647.2); short protein forms C178F, C229F, C170F, C220F, C214F.
Identifiers: ClinVar variation 450329 (VCV000450329.2), dbSNP rs1555381396, ClinGen allele CA391611594.

ClinVar aggregate classification (germline): Uncertain significance (1 of 4 stars; one submission).

Allele frequency attached by ClinVar (database versions not stated): TOPMed 0.00001.

Submission:

GeneDx
Classification: Uncertain significance. Last evaluated: 2017-07-10. Review status: criteria provided, single submitter. Criteria: GeneDx Variant Classification (06012015). Collection method: clinical testing. Allele origin: germline. Affected: yes.
Comment: A variant of uncertain significance has been identified in the SLC12A6 gene. The C229F variant has not been published as a pathogenic variant, nor has it been reported as a benign variant to our knowledge. The C229F variant is not observed in large population cohorts (Lek et al., 2016; 1000 Genomes Consortium et al., 2015; Exome Variant Server). The C229F variant is a non-conservative amino acid substitution, which is likely to impact secondary protein structure as these residues differ in polarity, charge, size and/or other properties. This substitution occurs at a position that is conserved in mammals and in silico analysis predicts this variant is probably damaging to the protein structure/function. However, missense variants in nearby residues have not been reported in Human Gene Mutation Database in association with SLC12A6-related disorders (Stenson et al., 2014). Therefore, based on the currently available information, it is unclear whether this variant is a pathogenic variant or a rare benign variant.